The following is an entry in ClinVar:

ClinVar aggregate classification (germline): Uncertain significance. Review status: criteria provided, single submitter (1 of 4 stars). 6 submissions from 1 submitter: Uncertain significance (1). 5 of the submissions do not count toward it. Last evaluated 2022-07-12.

Conditions:
Inclusion body myopathy with Paget disease of bone and frontotemporal dementia. Also called: Inclusion body myopathy with early-onset Paget disease and frontotemporal dementia. Identifiers: Orphanet 52430, MedGen C1833662, MONDO:0000507.
Frontotemporal dementia and/or amyotrophic lateral sclerosis 6 (FTDALS6). Also called: VCP-Related Amyotrophic Lateral Sclerosis; VCP-Related Amyotrophic Lateral Sclerosis/Frontotemporal Dementia. Identifiers: Orphanet 275872, Orphanet 803, MedGen C5436279, MONDO:0013501, OMIM 613954.
Primary ciliary dyskinesia. Also called: Ciliary dyskinesia. Identifiers: Orphanet 244, MedGen C0008780, MONDO:0016575, HP:0012265.
Arthrogryposis, distal, type 1A. Also called: ARTHROGRYPOSIS MULTIPLEX CONGENITA, DISTAL, TYPE I. Identifiers: Orphanet 1146, MedGen C6022280, MONDO:0007157, OMIM 108120.
Deficiency of UDPglucose-hexose-1-phosphate uridylyltransferase. Also called: GALACTOSE-1-PHOSPHATE URIDYLYLTRANSFERASE DEFICIENCY; GALT deficiency; Galactosemia, classic; Transferase Deficiency Galactosemia; GALACTOSEMIA I. Identifiers: Orphanet 352, Orphanet 79239, MedGen C0268151, MONDO:0009258, OMIM 230400.
Acromesomelic dysplasia 1, Maroteaux type (AMD1). Also called: ACROMESOMELIC DYSPLASIA 1; ST. HELENA DYSPLASIA. Identifiers: Orphanet 40, MedGen C1864356, MONDO:0011275, OMIM 602875.
Tall stature-scoliosis-macrodactyly of the great toes syndrome. Also called: Epiphyseal chondrodysplasia, miura type. Identifiers: Orphanet 329191, MedGen C4014690, MONDO:0014401, OMIM 615923.

Submissions (6):

Labcorp Genetics (formerly Invitae), Labcorp
Classification: Uncertain significance. Last evaluated: 2022-07-12. Review status: criteria provided, single submitter. Criteria: Invitae Variant Classification Sherloc (09022015). Collection method: clinical testing. Allele origin: germline.
Comment: A copy number gain of the genomic region encompassing the full coding sequence of the B4GALT1 gene has been identified. The boundaries of this event are unknown as they extend beyond the assayed region for this gene and therefore may encompass additional genes. As the precise location of this event is unknown, it may be in tandem or it may be located elsewhere in the genome. This variant has not been reported in the literature in individuals affected with B4GALT1-related conditions. Experimental studies and prediction algorithms are not available or were not evaluated, and the functional significance of this variant is currently unknown. In summary, the available evidence is currently insufficient to determine the role of this variant in disease. Therefore, it has been classified as a Variant of Uncertain Significance.

Labcorp Genetics (formerly Invitae), Labcorp
Classification: Uncertain significance for Primary ciliary dyskinesia. Last evaluated: 2022-09-29. Review status: flagged submission. Criteria: Invitae Variant Classification Sherloc (09022015). Collection method: clinical testing. Allele origin: germline. Not counted in ClinVar's aggregate classification.
Comment: A copy number gain of the genomic region encompassing the full coding sequence of the DNAI1 gene has been identified. The boundaries of this event are unknown as they extend beyond the assayed region for this gene and therefore may encompass additional genes. As the precise location of this event is unknown, it may be in tandem or it may be located elsewhere in the genome. This variant has not been reported in the literature in individuals affected with DNAI1-related conditions. In summary, the available evidence is currently insufficient to determine the role of this variant in disease. Therefore, it has been classified as a Variant of Uncertain Significance.
ClinVar note: Reason: This record appears to be redundant with a more recent record from the same submitter.
ClinVar note: Notes: SCV003792771 appears to be redundant with SCV003843944.

Labcorp Genetics (formerly Invitae), Labcorp
Classification: Uncertain significance for Deficiency of UDPglucose-hexose-1-phosphate uridylyltransferase. Last evaluated: 2022-07-12. Review status: flagged submission. Criteria: Invitae Variant Classification Sherloc (09022015). Collection method: clinical testing. Allele origin: germline. Not counted in ClinVar's aggregate classification.
Comment: A copy number gain of the genomic region encompassing the full coding sequence of the GALT gene has been identified. The boundaries of this event are unknown as they extend beyond the assayed region for this gene and therefore may encompass additional genes. As the precise location of this event is unknown, it may be in tandem or it may be located elsewhere in the genome. This variant has not been reported in the literature in individuals affected with GALT-related conditions. In summary, the available evidence is currently insufficient to determine the role of this variant in disease. Therefore, it has been classified as a Variant of Uncertain Significance.
ClinVar note: Reason: This record appears to be redundant with a more recent record from the same submitter.
ClinVar note: Notes: SCV003790761 appears to be redundant with SCV003843944.

Labcorp Genetics (formerly Invitae), Labcorp
Classification: Uncertain significance for Digitotalar dysmorphism. Last evaluated: 2022-07-12. Review status: flagged submission. Criteria: Invitae Variant Classification Sherloc (09022015). Collection method: clinical testing. Allele origin: germline. Not counted in ClinVar's aggregate classification.
Comment: A copy number gain of the genomic region encompassing the full coding sequence of the TPM2 gene has been identified. The boundaries of this event are unknown as they extend beyond the assayed region for this gene and therefore may encompass additional genes. As the precise location of this event is unknown, it may be in tandem or it may be located elsewhere in the genome. This variant has not been reported in the literature in individuals affected with TPM2-related conditions. In summary, the available evidence is currently insufficient to determine the role of this variant in disease. Therefore, it has been classified as a Variant of Uncertain Significance.
ClinVar note: Reason: This record appears to be redundant with a more recent record from the same submitter.
ClinVar note: Notes: SCV003791333 appears to be redundant with SCV003843944.

Labcorp Genetics (formerly Invitae), Labcorp
Classification: Uncertain significance for Inclusion body myopathy with Paget disease of bone and frontotemporal dementia; Frontotemporal dementia and/or amyotrophic lateral sclerosis 6. Last evaluated: 2022-07-12. Review status: flagged submission. Criteria: Invitae Variant Classification Sherloc (09022015). Collection method: clinical testing. Allele origin: germline. Not counted in ClinVar's aggregate classification.
Comment: A copy number gain of the genomic region encompassing the full coding sequence of the VCP gene has been identified. The boundaries of this event are unknown as they extend beyond the assayed region for this gene and therefore may encompass additional genes. As the precise location of this event is unknown, it may be in tandem or it may be located elsewhere in the genome. This variant has not been reported in the literature in individuals affected with VCP-related conditions. In summary, the available evidence is currently insufficient to determine the role of this variant in disease. Therefore, it has been classified as a Variant of Uncertain Significance.
ClinVar note: Reason: This record appears to be redundant with a more recent record from the same submitter.
ClinVar note: Notes: SCV003791600 appears to be redundant with SCV003843944.

Labcorp Genetics (formerly Invitae), Labcorp
Classification: Uncertain significance for Tall stature-scoliosis-macrodactyly of the great toes syndrome; Acromesomelic dysplasia 1, Maroteaux type. Last evaluated: 2022-03-27. Review status: flagged submission. Criteria: Invitae Variant Classification Sherloc (09022015). Collection method: clinical testing. Allele origin: germline. Not counted in ClinVar's aggregate classification.
Comment: A copy number gain of the genomic region encompassing the full coding sequence of the NPR2 gene has been identified. The boundaries of this event are unknown as they extend beyond the assayed region for this gene and therefore may encompass additional genes. As the precise location of this event is unknown, it may be in tandem or it may be located elsewhere in the genome. This variant has not been reported in the literature in individuals affected with NPR2-related conditions. In summary, the available evidence is currently insufficient to determine the role of this variant in disease. Therefore, it has been classified as a Variant of Uncertain Significance.
ClinVar note: Reason: This record appears to be redundant with a more recent record from the same submitter.
ClinVar note: Notes: SCV003792553 appears to be redundant with SCV003843944.

NC_000009.11:g.(?_32453279)_(37785041_?)dup

Genes: ANKRD18B (ankyrin repeat domain 18B; plus strand), APTX (aprataxin; minus strand), AQP3 (aquaporin 3 (Gill blood group); minus strand), AQP7 (aquaporin 7; minus strand), ARHGEF39 (Rho guanine nucleotide exchange factor 39; minus strand) and 84 more. Cytogenetic location: 9p21.1-13.2.
Variant type: Duplication.
Identifiers: ClinVar variation 2422485 (VCV002422485.14).